The following is an entry in ClinVar:

ClinVar aggregate classification (germline): Uncertain significance (1 of 4 stars; one submission).

Submission:

Ambry Genetics
Classification: Uncertain significance. Last evaluated: 2023-06-28. Review status: criteria provided, single submitter. Criteria: Ambry Variant Classification Scheme 2023. Collection method: clinical testing. Allele origin: germline.
Comment: The p.I245M variant (also known as c.735C>G), located in coding exon 5 of the BUB3 gene, results from a C to G substitution at nucleotide position 735. The isoleucine at codon 245 is replaced by methionine, an amino acid with highly similar properties. This amino acid position is conserved. In addition, this alteration is predicted to be tolerated by in silico analysis. Since supporting evidence is limited at this time, the clinical significance of this alteration remains unclear.

NM_004725.4(BUB3):c.735C>G (p.Ile245Met)

Gene: BUB3 (BUB3 mitotic checkpoint protein; plus strand). Cytogenetic location: 10q26.13.
Variant type: single nucleotide variant.
Coding change: c.735C>G on transcript NM_004725.4 (MANE Select); coding-DNA position 735, C replaced by G.
Protein change: p.Ile245Met; replaces isoleucine 245 with methionine.
Molecular consequence: missense variant.
Genome position (GRCh38, 1-based): chr10:123,162,394, C>G. VCF-style: chr10-123162394-C-G. GRCh37 (hg19) VCF-style: chr10-124921910-C-G.
Other names: c.735C>G, p.Ile245Met (NM_001007793.3); short protein forms I245M.
Identifiers: ClinVar variation 2625363 (VCV002625363.2), dbSNP rs1263335241, ClinGen allele CA378626785.
Genomic context (GRCh38, chr10:123,162,394, plus strand): 5'-ACTAAAAGAAAATAATATTGAGCAGATTTACCCAGTCAATGCCATTTCTTTTCACAATAT[C>G]CACAATACATTTGCCACAGGTAAAGTATGGCATGCTGACCTATATTTAATTATTATACTA-3'
Protein context (NP_004716.1, residues 235-255): YPVNAISFHN[Ile245Met]HNTFATGGSD